The following is an entry in ClinVar:

NM_012108.4(STAP1):c.856G>C (p.Glu286Gln)

Gene: STAP1 (signal transducing adaptor family member 1; plus strand). Cytogenetic location: 4q13.2.
Variant type: single nucleotide variant.
Coding change: c.856G>C on transcript NM_012108.4 (MANE Select); coding-DNA position 856, G replaced by C.
Protein change: p.Glu286Gln; replaces glutamic acid 286 with glutamine.
Molecular consequence: missense variant.
Genome position (GRCh38, 1-based): chr4:67,606,325, G>C. VCF-style: chr4-67606325-G-C. GRCh37 (hg19) VCF-style: chr4-68472043-G-C.
Other names: c.856G>C, p.Glu286Gln (NM_001317769.2); short protein forms E286Q.
Identifiers: ClinVar variation 4826056 (VCV004826056.1).

ClinVar aggregate classification (germline): Uncertain significance (1 of 4 stars; one submission).

Submission:

Ambry Genetics
Classification: Uncertain significance. Last evaluated: 2026-03-09. Review status: criteria provided, single submitter. Criteria: Ambry Variant Classification Scheme 2023. Collection method: clinical testing. Allele origin: germline.
Comment: The p.E286Q variant (also known as c.856G>C), located in coding exon 9 of the STAP1 gene, results from a G to C substitution at nucleotide position 856. The glutamic acid at codon 286 is replaced by glutamine, an amino acid with highly similar properties. This amino acid position is conserved. In addition, this alteration is predicted to be tolerated by in silico analysis. Based on the available evidence, the clinical significance of this variant remains unclear.